The following is an entry in ClinVar:

NM_001040108.2(MLH3):c.860G>A (p.Ser287Asn)

Gene: MLH3 (mutL homolog 3; minus strand). Cytogenetic location: 14q24.3.
Variant type: single nucleotide variant.
Coding change: c.860G>A on transcript NM_001040108.2 (MANE Select); coding-DNA position 860, G replaced by A.
Protein change: p.Ser287Asn; replaces serine 287 with asparagine.
Molecular consequence: missense variant.
Genome position (GRCh38, 1-based): chr14:75,048,796, C>T on the plus strand (G>A on the coding strand, the complement: MLH3 is on the minus strand). VCF-style: chr14-75048796-C-T. GRCh37 (hg19) VCF-style: chr14-75515499-C-T.
Other names: c.860G>A, p.Ser287Asn (NM_014381.3); short protein forms S287N.
Identifiers: ClinVar variation 4055494 (VCV004055494.1).

ClinVar aggregate classification (germline): Uncertain significance (1 of 4 stars; one submission).

Submission:

Ambry Genetics
Classification: Uncertain significance. Last evaluated: 2025-05-02. Review status: criteria provided, single submitter. Criteria: Ambry Variant Classification Scheme 2023. Collection method: clinical testing. Allele origin: germline.
Comment: The p.S287N variant (also known as c.860G>A), located in coding exon 1 of the MLH3 gene, results from a G to A substitution at nucleotide position 860. The serine at codon 287 is replaced by asparagine, an amino acid with highly similar properties. This amino acid position is conserved. In addition, this alteration is predicted to be tolerated by in silico analysis. Based on the available evidence, the clinical significance of this variant remains unclear.